The following is an entry in ClinVar:

NM_000258.3(MYL3):c.307+2T>C

Gene: MYL3 (myosin light chain 3; minus strand). Cytogenetic location: 3p21.31.
Variant type: single nucleotide variant.
Coding change: c.307+2T>C on transcript NM_000258.3 (MANE Select); the canonical splice donor site of the intron after coding-DNA position 307, T replaced by C.
Molecular consequence: splice donor variant.
Genome position (GRCh38, 1-based): chr3:46,860,674, A>G on the plus strand (T>C on the coding strand, the complement: MYL3 is on the minus strand). VCF-style: chr3-46860674-A-G. GRCh37 (hg19) VCF-style: chr3-46902164-A-G.
Other names: c.307+2T>C (NM_001406939.1, NM_001406938.1, NM_001406937.1); c.133+2T>C (NM_001406940.1, NM_001406941.1).
Identifiers: ClinVar variation 3297573 (VCV003297573.1).

ClinVar aggregate classification (germline): Uncertain significance (1 of 4 stars; one submission).

Conditions:
Cardiovascular phenotype. Identifiers: MedGen CN230736.

Submission:

Ambry Genetics
Classification: Uncertain significance for Cardiovascular phenotype. Last evaluated: 2024-06-20. Review status: criteria provided, single submitter. Criteria: Ambry Variant Classification Scheme 2023. Collection method: clinical testing. Allele origin: germline.
Comment: The c.307+2T>C intronic variant results from a T to C substitution two nucleotides after coding exon 3 in the MYL3 gene. This nucleotide position is not well conserved in available vertebrate species. In silico splice site analysis predicts that this alteration will weaken the native splice donor site and will result in the creation or strengthening of a novel splice donor site. Alterations that disrupt the canonical splice site are expected to cause aberrant splicing, resulting in an abnormal protein or a transcript that is subject to nonsense-mediated mRNA decay. However, loss of function of MYL3 has not been established as a mechanism of disease. Based on the available evidence, the clinical significance of this alteration remains unclear.